The following is an entry in ClinVar:

ClinVar aggregate classification (germline): Conflicting classifications of pathogenicity. Review status: criteria provided, conflicting classifications (1 of 4 stars). 4 submissions from 4 submitters: Uncertain significance (3); Likely benign (1). Last evaluated 2026-01-24.

Conditions:
Hereditary cancer-predisposing syndrome. Also called: Neoplastic Syndromes, Hereditary; Tumor predisposition; Hereditary Cancer Syndrome; Hereditary neoplastic syndrome. Identifiers: Orphanet 140162, MedGen C0027672, MeSH D009386, MONDO:0015356.
Polyps, multiple and recurrent inflammatory fibroid, gastrointestinal. Identifiers: MedGen C5193005, MONDO:0008285, OMIM 175510.
Idiopathic hypereosinophilic syndrome (HES). Identifiers: Orphanet 3260, MedGen C0206141, MONDO:0011895, OMIM 607685. Disease mechanism: gain of function.
PDGFRA-related disorder. Also called: PDGFRA-related condition.
Gastrointestinal stromal tumor. Also called: Gastrointestinal stroma tumor; Gastrointestinal stromal tumor, somatic. Identifiers: Orphanet 44890, MedGen C0238198, MeSH D046152, MONDO:0011719, OMIM 606764, HP:0100723.

Allele frequency attached by ClinVar (database versions not stated): gnomAD exomes below 0.00001; TOPMed 0.00002; gnomAD 0.00003 and 0.00004.
gnomAD v4.1: 7 of 1,613,168 alleles (0.00043%); highest among the groups gnomAD compares: African/African-American, 0.0094%; no homozygotes.

Submissions (4):

PreventionGenetics, part of Exact Sciences
Classification: Uncertain significance for PDGFRA-related condition. Last evaluated: 2026-01-24. Review status: criteria provided, single submitter. Criteria: ACMG Guidelines, 2015. Collection method: clinical testing. Allele origin: germline.
Comment: The PDGFRA c.1970T>C variant is predicted to result in the amino acid substitution p.Ile657Thr. To our knowledge, this variant has not been reported in the literature. This variant is reported in 0.023% of alleles in individuals of African descent in gnomAD and has conflicting interpretations regarding its pathogenicity in ClinVar, ranging from likely benign to uncertain (Variation ID: 578636). Although we suspect that this variant may be benign, at this time, the clinical significance of this variant is uncertain due to the absence of conclusive functional and genetic evidence.

Labcorp Genetics (formerly Invitae), Labcorp
Classification: Uncertain significance for Gastrointestinal stromal tumor. Last evaluated: 2025-10-27. Review status: criteria provided, single submitter. Criteria: Invitae Variant Classification Sherloc (09022015). Collection method: clinical testing. Allele origin: germline.
Comment: This sequence change replaces isoleucine, which is neutral and non-polar, with threonine, which is neutral and polar, at codon 657 of the PDGFRA protein (p.Ile657Thr). This variant is present in population databases (no rsID available, gnomAD 0.02%). This variant has not been reported in the literature in individuals affected with PDGFRA-related conditions. ClinVar contains an entry for this variant (Variation ID: 578636). Invitae Evidence Modeling of protein sequence and biophysical properties (such as structural, functional, and spatial information, amino acid conservation, physicochemical variation, residue mobility, and thermodynamic stability) indicates that this missense variant is not expected to disrupt PDGFRA protein function with a negative predictive value of 80%. In summary, the available evidence is currently insufficient to determine the role of this variant in disease. Therefore, it has been classified as a Variant of Uncertain Significance.

Fulgent Genetics
Classification: Uncertain significance for Polyps, multiple and recurrent inflammatory fibroid, gastrointestinal; Idiopathic hypereosinophilic syndrome. Last evaluated: 2021-12-08. Review status: criteria provided, single submitter. Criteria: ACMG Guidelines, 2015. Collection method: clinical testing. Allele origin: unknown.

Ambry Genetics
Classification: Likely benign for Hereditary cancer-predisposing syndrome. Last evaluated: 2021-10-17. Review status: criteria provided, single submitter. Criteria: Ambry Variant Classification Scheme 2023. Collection method: clinical testing. Allele origin: germline.

NM_006206.6(PDGFRA):c.1970T>C (p.Ile657Thr)

Gene: PDGFRA (platelet derived growth factor receptor alpha; plus strand). Cytogenetic location: 4q12.
Variant type: single nucleotide variant.
Coding change: c.1970T>C on transcript NM_006206.6 (MANE Select); coding-DNA position 1970, T replaced by C.
Protein change: p.Ile657Thr; replaces isoleucine 657 with threonine.
Molecular consequence: missense variant.
Genome position (GRCh38, 1-based): chr4:54,277,974, T>C. VCF-style: chr4-54277974-T-C. GRCh37 (hg19) VCF-style: chr4-55144141-T-C.
Other names: c.1970T>C, p.Ile657Thr (NM_001347827.2, NM_001347829.2); c.2045T>C, p.Ile682Thr (NM_001347828.2); c.2009T>C, p.Ile670Thr (NM_001347830.2); c.1970T>C (NM_006206.5); short protein forms I657T, I670T, I682T.
Identifiers: ClinVar variation 578636 (VCV000578636.14), dbSNP rs969139366, ClinGen allele CA96861590.
Genomic context (GRCh38, chr4:54,277,974, plus strand): 5'-AAAAACAAGCTCTCATGTCTGAACTGAAGATAATGACTCACCTGGGGCCACATTTGAACA[T>C]TGTAAACTTGCTGGGAGCCTGCACCAAGTCAGGTGGGCTCACTGACCTGGAGTGAGGATT-3'
Protein context (NP_006197.1, residues 647-667): IMTHLGPHLN[Ile657Thr]VNLLGACTKS